The following is an entry in ClinVar:

ClinVar aggregate classification (germline): Likely benign. Review status: criteria provided, multiple submitters, no conflicts (2 of 4 stars). 4 submissions from 4 submitters: Likely benign (2). 2 of the submissions do not count toward it. Last evaluated 2025-11-12.

Conditions:
Inborn genetic diseases. Identifiers: MedGen C0950123, MeSH D030342.
Fanconi anemia complementation group A (FANCA). Also called: Fanconi anemia, group A; FANCA-Related Fanconi Anemia. Identifiers: Orphanet 84, MedGen C3469521, MONDO:0009215, OMIM 227650.
Fanconi anemia (FA). Also called: Fanconi's anemia. Identifiers: Orphanet 84, MedGen C0015625, MeSH D005199, MONDO:0019391.
FANCA-related disorder. Also called: FANCA-related condition.

Allele frequency attached by ClinVar (database versions not stated): ExAC 0.00003; gnomAD 0.00009 and 0.00010; TOPMed 0.00014.
gnomAD v4.1: 28 of 1,613,860 alleles (0.0017%); highest among the groups gnomAD compares: African/African-American, 0.036%; no homozygotes.

Submissions (4):

Labcorp Genetics (formerly Invitae), Labcorp
Classification: Likely benign for Fanconi anemia. Last evaluated: 2025-11-12. Review status: criteria provided, single submitter. Criteria: Invitae Variant Classification Sherloc (09022015). Collection method: clinical testing. Allele origin: germline.

Ambry Genetics
Classification: Likely benign for Inborn genetic diseases. Last evaluated: 2024-12-21. Review status: criteria provided, single submitter. Criteria: Ambry Variant Classification Scheme 2023. Collection method: clinical testing. Allele origin: germline.

PreventionGenetics, part of Exact Sciences
Classification: Likely benign for FANCA-related condition. Last evaluated: 2023-09-28. Review status: no assertion criteria provided. Collection method: clinical testing. Allele origin: germline. Not counted in ClinVar's aggregate classification.
Comment: This variant is classified as likely benign based on ACMG/AMP sequence variant interpretation guidelines (Richards et al. 2015 PMID: 25741868, with internal and published modifications).

Natera, Inc.
Classification: Likely benign for Fanconi anemia, group A. Last evaluated: 2020-05-05. Review status: no assertion criteria provided. Collection method: clinical testing. Allele origin: germline. Not counted in ClinVar's aggregate classification.

NM_000135.4(FANCA):c.634A>C (p.Arg212=)

Gene: FANCA (FA complementation group A; minus strand). Cytogenetic location: 16q24.3.
Variant type: single nucleotide variant.
Coding change: c.634A>C on transcript NM_000135.4 (MANE Select); coding-DNA position 634, A replaced by C.
Protein change: p.Arg212=; no amino-acid change (arginine 212 retained).
Molecular consequence: synonymous variant.
Genome position (GRCh38, 1-based): chr16:89,805,355, T>G on the plus strand (A>C on the coding strand, the complement: FANCA is on the minus strand). VCF-style: chr16-89805355-T-G. GRCh37 (hg19) VCF-style: chr16-89871763-T-G.
Other names: c.634A>C, p.Arg212= (NM_001018112.3, NM_001286167.3); c.538A>C, p.Arg180= (NM_001351830.2).
Identifiers: ClinVar variation 699899 (VCV000699899.14), dbSNP rs754839730, ClinGen allele CA8252874.